The following is an entry in ClinVar:

NM_012398.3(PIP5K1C):c.321C>T (p.Phe107=)

Gene: PIP5K1C (phosphatidylinositol-4-phosphate 5-kinase type 1 gamma; minus strand). Cytogenetic location: 19p13.3.
Variant type: single nucleotide variant.
Coding change: c.321C>T on transcript NM_012398.3 (MANE Select); coding-DNA position 321, C replaced by T.
Protein change: p.Phe107=; no amino-acid change (phenylalanine 107 retained).
Molecular consequence: synonymous variant.
Genome position (GRCh38, 1-based): chr19:3,661,900, G>A on the plus strand (C>T on the coding strand, the complement: PIP5K1C is on the minus strand). VCF-style: chr19-3661900-G-A. GRCh37 (hg19) VCF-style: chr19-3661898-G-A.
Other names: c.321C>T, p.Phe107= (NM_001195733.2, NM_001300849.2).
Identifiers: ClinVar variation 3388906 (VCV003388906.14).

ClinVar aggregate classification (germline): Likely benign (1 of 4 stars; one submission).

gnomAD v4.1: 2 of 1,612,878 alleles (0.00012%); highest among the groups gnomAD compares: Middle Eastern, 0.016%; no homozygotes.

Submission:

CeGaT Center for Human Genetics Tuebingen
Classification: Likely benign. Last evaluated: 2024-11-01. Review status: criteria provided, single submitter. Criteria: CeGaT Center For Human Genetics Tuebingen Variant Classification Criteria Version 2. Collection method: clinical testing. Allele origin: germline. Affected: yes. Observed: 1 variant allele.
Comment: PIP5K1C: BP4, BP7